The following is an entry in ClinVar:

ClinVar aggregate classification (germline): Benign/Likely benign. Review status: criteria provided, multiple submitters, no conflicts (2 of 4 stars). 4 submissions from 4 submitters: Benign (1); Likely benign (3). Last evaluated 2025-12-15.

Conditions:
Hereditary cancer-predisposing syndrome. Also called: Neoplastic Syndromes, Hereditary; Hereditary Cancer Syndrome; Hereditary neoplastic syndrome; Tumor predisposition. Identifiers: Orphanet 140162, MedGen C0027672, MeSH D009386, MONDO:0015356.
Hereditary leiomyomatosis and renal cell cancer. Also called: Familial leiomyomatosis; Reed syndrome; Multiple cutaneous and uterine leiomyomatosis; Cutaneous leiomyomata with uterine leiomyomata; Leiomyoma, hereditary multiple, of skin; Multiple cutaneous and uterine leiomyomata. Identifiers: Orphanet 523, MedGen C1708350, MONDO:0007888, OMIM 150800, HP:0007437. Disease mechanism: loss of function.

Allele frequency attached by ClinVar (database versions not stated): gnomAD exomes 0.00002; TOPMed 0.00001.
gnomAD v4.1: 27 of 1,613,996 alleles (0.0017%); highest among the groups gnomAD compares: East Asian, 0.045%; no homozygotes.

Submissions (4):

Labcorp Genetics (formerly Invitae), Labcorp
Classification: Likely benign. Last evaluated: 2025-12-15. Review status: criteria provided, single submitter. Criteria: Invitae Variant Classification Sherloc (09022015). Collection method: clinical testing. Allele origin: germline.

Center for Genomic Medicine, Rigshospitalet, Copenhagen University Hospital
Classification: Likely benign. Last evaluated: 2025-03-04. Review status: criteria provided, single submitter. Criteria: ACMG Guidelines, 2015. Collection method: clinical testing. Allele origin: germline.

Myriad Genetics, Inc.
Classification: Benign for Hereditary leiomyomatosis and renal cell cancer. Last evaluated: 2024-10-17. Review status: criteria provided, single submitter. Criteria: Myriad Autosomal Dominant, Autosomal Recessive and X-Linked Classification Criteria (2023). Collection method: clinical testing. Allele origin: unknown.
Comment: This variant is considered benign. This variant is a silent/synonymous amino acid change and it is not expected to impact splicing.

Ambry Genetics
Classification: Likely benign for Hereditary cancer-predisposing syndrome. Last evaluated: 2020-08-05. Review status: criteria provided, single submitter. Criteria: Ambry Variant Classification Scheme 2023. Collection method: clinical testing. Allele origin: germline.

NM_000143.4(FH):c.216C>T (p.Thr72=)

Gene: FH (fumarate hydratase; minus strand). Cytogenetic location: 1q43.
Variant type: single nucleotide variant.
Coding change: c.216C>T on transcript NM_000143.4 (MANE Select); coding-DNA position 216, C replaced by T.
Protein change: p.Thr72=; no amino-acid change (threonine 72 retained).
Molecular consequence: synonymous variant.
Genome position (GRCh38, 1-based): chr1:241,517,233, G>A on the plus strand (C>T on the coding strand, the complement: FH is on the minus strand). VCF-style: chr1-241517233-G-A. GRCh37 (hg19) VCF-style: chr1-241680533-G-A.
Identifiers: ClinVar variation 707713 (VCV000707713.18), dbSNP rs1341995835, ClinGen allele CA424076586.